The following is an entry in ClinVar:

ClinVar aggregate classification (germline): Uncertain significance (1 of 4 stars; one submission).

Conditions:
Kabuki syndrome. Also called: Kabuki make-up syndrome; NIIKAWA-KUROKI SYNDROME. Identifiers: Orphanet 2322, MedGen C0796004, MONDO:0016512.

Allele frequency attached by ClinVar (database versions not stated): gnomAD exomes below 0.00001.
gnomAD v4.1: 2 of 1,613,230 alleles (0.00012%); highest among the groups gnomAD compares: South Asian, 0.0011%; no homozygotes.

Submission:

Labcorp Genetics (formerly Invitae), Labcorp
Classification: Uncertain significance for Kabuki syndrome. Last evaluated: 2025-05-19. Review status: criteria provided, single submitter. Criteria: Invitae Variant Classification Sherloc (09022015). Collection method: clinical testing. Allele origin: germline.
Comment: This sequence change replaces proline, which is neutral and non-polar, with arginine, which is basic and polar, at codon 183 of the KMT2D protein (p.Pro183Arg). This variant is not present in population databases (gnomAD no frequency). This variant has not been reported in the literature in individuals affected with KMT2D-related conditions. ClinVar contains an entry for this variant (Variation ID: 1902760). Invitae Evidence Modeling of protein sequence and biophysical properties (such as structural, functional, and spatial information, amino acid conservation, physicochemical variation, residue mobility, and thermodynamic stability) indicates that this missense variant is not expected to disrupt KMT2D protein function with a negative predictive value of 95%. In summary, the available evidence is currently insufficient to determine the role of this variant in disease. Therefore, it has been classified as a Variant of Uncertain Significance.

NM_003482.4(KMT2D):c.548C>G (p.Pro183Arg)

Gene: KMT2D (lysine methyltransferase 2D; minus strand). Cytogenetic location: 12q13.12.
Variant type: single nucleotide variant.
Coding change: c.548C>G on transcript NM_003482.4 (MANE Select); coding-DNA position 548, C replaced by G.
Protein change: p.Pro183Arg; replaces proline 183 with arginine.
Molecular consequence: missense variant.
Genome position (GRCh38, 1-based): chr12:49,054,103, G>C on the plus strand (C>G on the coding strand, the complement: KMT2D is on the minus strand). VCF-style: chr12-49054103-G-C. GRCh37 (hg19) VCF-style: chr12-49447886-G-C.
Other names: short protein forms P183R.
Identifiers: ClinVar variation 1902760 (VCV001902760.5), dbSNP rs1938252086, ClinGen allele CA384685849.